The following is an entry in ClinVar:

NM_000261.2(MYOC):c.1442C>G (p.Pro481Arg)

Gene: MYOC (myocilin; minus strand). Cytogenetic location: 1q24.3.
Variant type: single nucleotide variant.
Coding change: c.1442C>G on transcript NM_000261.2 (MANE Select); coding-DNA position 1442, C replaced by G.
Protein change: p.Pro481Arg; replaces proline 481 with arginine.
Molecular consequence: missense variant.
Genome position (GRCh38, 1-based): chr1:171,635,998, G>C on the plus strand (C>G on the coding strand, the complement: MYOC is on the minus strand). VCF-style: chr1-171635998-G-C. GRCh37 (hg19) VCF-style: chr1-171605138-G-C.
Other names: NM_000261.2:c.1442C>G; short protein forms P481R.
Identifiers: ClinVar variation 1686790 (VCV001686790.4), dbSNP rs2102944466, ClinGen allele CA343723138.

ClinVar aggregate classification (germline): Uncertain significance (3 of 4 stars; one submission).

Conditions:
Open-angle glaucoma. Identifiers: MedGen C0017612, MONDO:0005338, HP:0012108.

Submission:

ClinGen Glaucoma Variant Curation Expert Panel
Classification: Uncertain significance for Open-angle glaucoma. Last evaluated: 2026-02-04. Review status: reviewed by expert panel. Criteria: ClinGen Glaucoma ACMG Specifications V2.0.0 Approved. Collection method: curation. Allele origin: germline. Inheritance: Autosomal dominant inheritance.
Comment: The c.1442C>G variant in MYOC is a missense variant predicted to cause substitution of Proline by Arginine at amino acid 481 (p.Pro481Arg). This variant was not found in any genetic ancestry group of gnomAD (v4.1.0), meeting the ≤ 0.0001 threshold set for PM2_Supporting in a genetic ancestry group of at least 10,000 alleles. The REVEL score = 0.853, which was within the 0.773-0.931 range for PP3_Moderate, predicting a damaging effect on MYOC function. There was no functional evidence predicting a damaging or benign impact of this variant on MYOC function. Only 1 proband with primary open angle glaucoma had been reported (PMID: 12789574), not meeting the ≥ 2 probands threshold required to meet PS4_Supporting. Another missense variant (c.1442C>T, p.Pro481Leu, Grantham score = 98, ClinVar ID: 1686789) at the same codon has been classified as likely pathogenic for juvenile open angle glaucoma by the ClinGen Glaucoma VCEP. The c.1442C>G, p.Pro481Arg variant has a higher Grantham score (= 103) than the previously classified amino acid change, was not predicted to affect splicing as assessed with SpliceAI (≤ 0.2), and met PP3, meeting the conditions for PM5_Supporting to apply. In summary, this variant met the criteria to receive a score of 4 and to be classified as a variant of uncertain significance (uncertain significance classification range -1 to 5, adapted from PMID: 32720330) for primary open angle glaucoma based on the ACMG/AMP criteria met, as specified by the ClinGen Glaucoma VCEP (v2.0.0, 5 Dec 2024): PP3_Moderate, PM2_Supporting, PM5_Supporting.